The following is an entry in ClinVar:

NM_001035.3(RYR2):c.773+141C>T

Gene: RYR2 (ryanodine receptor 2; plus strand). Cytogenetic location: 1q43.
Variant type: single nucleotide variant.
Coding change: c.773+141C>T on transcript NM_001035.3 (MANE Select); 141 bases into the intron after coding-DNA position 773, C replaced by T.
Molecular consequence: intron variant.
Genome position (GRCh38, 1-based): chr1:237,388,324, C>T. VCF-style: chr1-237388324-C-T. GRCh37 (hg19) VCF-style: chr1-237551624-C-T.
Identifiers: ClinVar variation 675352 (VCV000675352.2), dbSNP rs17631087, ClinGen allele CA39776158.

ClinVar aggregate classification (germline): Likely benign. Review status: criteria provided, multiple submitters, no conflicts (2 of 4 stars). 2 submissions from 2 submitters: Likely benign (2). Last evaluated 2018-06-19.

Allele frequency attached by ClinVar (database versions not stated): 1000 Genomes Project 0.00759; gnomAD 0.01038; TOPMed 0.00699; 1000 Genomes Project 30x 0.00718.
gnomAD v4.1: 7,867 of 689,124 alleles (1.1%); highest among the groups gnomAD compares: Middle Eastern, 2.4%; 77 homozygotes.

Submissions (2):

GeneDx
Classification: Likely benign. Last evaluated: 2018-06-19. Review status: criteria provided, single submitter. Criteria: GeneDx Variant Classification (06012015). Collection method: clinical testing. Allele origin: germline. Affected: yes.
Comment: This variant is considered likely benign or benign based on one or more of the following criteria: it is a conservative change, it occurs at a poorly conserved position in the protein, it is predicted to be benign by multiple in silico algorithms, and/or has population frequency not consistent with disease.

Breakthrough Genomics
Classification: Likely benign. Review status: criteria provided, single submitter. Criteria: ACMG Guidelines, 2015. Collection method: not provided. Allele origin: germline. Inheritance: Autosomal dominant inheritance. Affected: yes.